The following is an entry in ClinVar:

NM_001356.5(DDX3X):c.1537G>A (p.Val513Ile)

Gene: DDX3X (DEAD-box helicase 3 X-linked; plus strand). Cytogenetic location: Xp11.4.
Variant type: single nucleotide variant.
Coding change: c.1537G>A on transcript NM_001356.5 (MANE Select); coding-DNA position 1537, G replaced by A.
Protein change: p.Val513Ile; replaces valine 513 with isoleucine.
Molecular consequence: missense variant. On other transcripts: non-coding transcript variant (1).
Genome position (GRCh38, 1-based): chrX:41,346,544, G>A. VCF-style: chrX-41346544-G-A. GRCh37 (hg19) VCF-style: chrX-41205797-G-A.
Other names: c.1537G>A, p.Val513Ile (NM_001193416.3); c.1489G>A, p.Val497Ile (NM_001193417.3); c.979G>A, p.Val327Ile (NM_001363819.1); short protein forms V327I, V497I, V513I.
Identifiers: ClinVar variation 981251 (VCV000981251.5), dbSNP rs2063927856, ClinGen allele CA412776355.

ClinVar aggregate classification (germline): Uncertain significance. Review status: criteria provided, multiple submitters, no conflicts (2 of 4 stars). 3 submissions from 3 submitters: Uncertain significance (3). Last evaluated 2024-02-05.

Conditions:
Intellectual disability, X-linked 102 (MRXSSB). Also called: Intellectual developmental disorder, X-linked syndromic, Snijders Blok type. Identifiers: Orphanet 457260, MedGen C5393299, MONDO:0010497, OMIM 300958.
Intellectual disability. Also called: intellectual disabilities; Intellectual developmental disorder; Intellectual functioning disability. Identifiers: MedGen C3714756, MeSH D008607, MONDO:0001071, HP:0001249.

Allele frequency attached by ClinVar (database versions not stated): gnomAD 0.00001.
gnomAD v4.1: 1 of 1,209,691 alleles (0.000083%); no homozygotes.

Submissions (3):

Institute of Human Genetics, University of Leipzig Medical Center
Classification: Uncertain significance for Intellectual disability, X-linked 102. Last evaluated: 2024-02-05. Review status: criteria provided, single submitter. Criteria: ACMG Guidelines, 2015. Collection method: clinical testing. Allele origin: unknown. Inheritance: X-linked dominant inheritance. Affected: yes.
Comment: Criteria applied: PM5_STR,PM1,PP3, BS3

Centre of Medical Genetics, University Hospital Muenster
Classification: Uncertain significance. Last evaluated: 2021-12-15. Review status: criteria provided, single submitter. Criteria: ACMG Guidelines, 2015. Collection method: clinical testing. Allele origin: unknown. Affected: yes. Observed: 1 variant allele, 1 hemizygote.
Comment: ACMG categories: PM1,PM2,PP3

Diagnostic Laboratory, Strasbourg University Hospital
Classification: Uncertain significance for Intellectual disability. Last evaluated: 2020-09-10. Review status: criteria provided, single submitter. Criteria: ACMG Guidelines, 2015. Collection method: clinical testing. Allele origin: maternal. Affected: yes. Observed: 1 hemizygote.